The following is an entry in ClinVar:

NM_012471.3(TRPC5):c.1548T>C (p.Asp516=)

Gene: TRPC5 (transient receptor potential cation channel subfamily C member 5; minus strand). Cytogenetic location: Xq23.
Variant type: single nucleotide variant.
Coding change: c.1548T>C on transcript NM_012471.3 (MANE Select); coding-DNA position 1548, T replaced by C.
Protein change: p.Asp516=; no amino-acid change (aspartic acid 516 retained).
Molecular consequence: synonymous variant.
Genome position (GRCh38, 1-based): chrX:111,847,266, A>G on the plus strand (T>C on the coding strand, the complement: TRPC5 is on the minus strand). VCF-style: chrX-111847266-A-G. GRCh37 (hg19) VCF-style: chrX-111090494-A-G.
Identifiers: ClinVar variation 4990610 (VCV004990610.1).

ClinVar aggregate classification (germline): Likely benign (1 of 4 stars; one submission).

Conditions:
TRPC5-related disorder. Also called: TRPC5-related condition.

Submission:

PreventionGenetics, part of Exact Sciences
Classification: Likely benign for TRPC5-related condition. Last evaluated: 2026-04-30. Review status: criteria provided, single submitter. Criteria: ACMG Guidelines, 2015. Collection method: clinical testing. Allele origin: germline.
Comment: This variant is classified as likely benign based on ACMG/AMP sequence variant interpretation guidelines (Richards et al. 2015 PMID: 25741868, with internal and published modifications).